The following is an entry in ClinVar:

NM_201599.3(ZMYM3):c.3560C>T (p.Ser1187Phe)

Gene: ZMYM3 (zinc finger MYM-type containing 3; minus strand). Cytogenetic location: Xq13.1.
Variant type: single nucleotide variant.
Coding change: c.3560C>T on transcript NM_201599.3 (MANE Select); coding-DNA position 3560, C replaced by T.
Protein change: p.Ser1187Phe; replaces serine 1187 with phenylalanine.
Molecular consequence: missense variant.
Genome position (GRCh38, 1-based): chrX:71,242,412, G>A on the plus strand (C>T on the coding strand, the complement: ZMYM3 is on the minus strand). VCF-style: chrX-71242412-G-A. GRCh37 (hg19) VCF-style: chrX-70462262-G-A.
Other names: c.3524C>T, p.Ser1175Phe (NM_001171162.1); c.3560C>T, p.Ser1187Phe (NM_005096.3); short protein forms S1175F, S1187F.
Identifiers: ClinVar variation 3774288 (VCV003774288.1).

ClinVar aggregate classification (germline): Uncertain significance (1 of 4 stars; one submission).

Submission:

GeneDx
Classification: Uncertain significance. Last evaluated: 2024-09-24. Review status: criteria provided, single submitter. Criteria: GeneDx Variant Classification Process June 2021. Collection method: clinical testing. Allele origin: germline. Affected: yes.
Comment: Not observed at significant frequency in large population cohorts (gnomAD); In silico analysis supports that this missense variant has a deleterious effect on protein structure/function; Has not been previously published as pathogenic or benign to our knowledge